The following is an entry in ClinVar:

NM_000517.6(HBA2):c.358_362del (p.Pro120fs)

Genes: HBA2 (hemoglobin subunit alpha 2; plus strand), LOC106804612 (hemoglobin subunit alpha 2 recombination region; plus strand). Cytogenetic location: 16p13.3.
Variant type: Deletion.
Coding change: c.358_362del on transcript NM_000517.6 (MANE Select); coding-DNA positions 358 to 362, 5 bases deleted (CCTGC; older notation c.358_362delCCTGC).
Protein change: p.Pro120fs; shifts the reading frame from proline 120.
Molecular consequence: frameshift variant.
Genome position (GRCh38, 1-based): chr16:173,529-173,533, CCTGC deleted; deleting any 5 consecutive bases within chr16:173,528-173,533 gives the same sequence; the c. name uses the placement nearest the transcript's 3' end. VCF-style (leftmost placement, unchanged base first): chr16-173527-CCCCTG-C. GRCh37 (hg19) VCF-style: chr16-223526-CCCCTG-C.
Other names: short protein forms P120fs.
Identifiers: ClinVar variation 4818668 (VCV004818668.1).
Genomic context (GRCh38, chr16:173,527, plus strand): 5'-CACAGCTCCTAAGCCACTGCCTGCTGGTGACCCTGGCCGCCCACCTCCCCGCCGAGTTCA[CCCCTG>C]CGGTGCACGCCTCCCTGGACAAGTTCCTGGCTTCTGTGAGCACCGTGCTGACCTCCAAAT-3'

ClinVar aggregate classification (germline): Likely pathogenic (1 of 4 stars; one submission).

Conditions:
alpha Thalassemia. Also called: Alpha thalassemia spectrum. Identifiers: Orphanet 846, MedGen C0002312, MONDO:0011399, OMIM 604131.

Submission:

Natera, Inc.
Classification: Likely pathogenic for Alpha thalassemia. Last evaluated: 2024-02-23. Review status: criteria provided, single submitter. Criteria: Natera Variant Classification Schema (03/2026). Collection method: clinical testing. Allele origin: germline.
Comment: The c.358_362delCCTGC variant in HBA2 is a frameshift variant predicted to elongate the protein beyond the termination codon. This variant is expected to result in nonsense mediated decay, truncation, or a dysfunctional protein product. This variant is rare in the general population with a frequency below the threshold expected for the associated phenotype(s). Given the available evidence, this variant is classified as Likely Pathogenic.